The following is an entry in ClinVar:

ClinVar aggregate classification (germline): Conflicting classifications of pathogenicity. Review status: criteria provided, conflicting classifications (1 of 4 stars). 5 submissions from 5 submitters: Uncertain significance (4); Likely benign (1). Last evaluated 2025-06-02.

Conditions:
Familial thoracic aortic aneurysm and aortic dissection (TAAD). Also called: Thoracic aortic aneurysms and dissections. Identifiers: Orphanet 91387, MedGen C4707243, MONDO:0019625.
Ehlers-Danlos syndrome, classic type, 1 (EDSCL1). Also called: Ehlers-Danlos Syndrome, Classic Type, COL5A1-Related; EDS I; Ehlers-Danlos syndrome, type 1; EHLERS-DANLOS SYNDROME, GRAVIS TYPE; EHLERS-DANLOS SYNDROME, SEVERE CLASSIC TYPE. Identifiers: MedGen C0268335, MONDO:0019567, OMIM 130000.
Ehlers-Danlos syndrome, classic type, 2 (EDSCL2). Also called: Ehlers-Danlos Syndrome, Classic Type, COL5A2-Related; Ehlers-Danlos syndrome, type 2; Ehlers-Danlos syndrome type 2 (formerly). Identifiers: Orphanet 287, Orphanet 90318, MedGen C0268336, MONDO:0019568, OMIM 130010.

Allele frequency attached by ClinVar (database versions not stated): gnomAD exomes 0.00001 and 0.00002; gnomAD 0.00003; ExAC 0.00001.
gnomAD v4.1: 28 of 1,613,942 alleles (0.0017%); highest among the groups gnomAD compares: Middle Eastern, 0.016%; no homozygotes.

Submissions (5):

Labcorp Genetics (formerly Invitae), Labcorp
Classification: Likely benign for Ehlers-Danlos syndrome, classic type, 1. Last evaluated: 2025-06-02. Review status: criteria provided, single submitter. Criteria: Invitae Variant Classification Sherloc (09022015). Collection method: clinical testing. Allele origin: germline.

Women's Health and Genetics/Laboratory Corporation of America, LabCorp
Classification: Uncertain significance. Last evaluated: 2025-03-21. Review status: criteria provided, single submitter. Criteria: LabCorp Variant Classification Summary - May 2015. Collection method: clinical testing. Allele origin: germline.
Comment: Variant summary: COL5A2 c.3848G>A (p.Arg1283His) results in a non-conservative amino acid change in the encoded protein sequence. Four of five in-silico tools predict a damaging effect of the variant on protein function. The variant allele was found at a frequency of 8e-06 in 251354 control chromosomes. The available data on variant occurrences in the general population are insufficient to allow any conclusion about variant significance. To our knowledge, no occurrence of c.3848G>A in individuals affected with Ehlers-Danlos Syndrome and no experimental evidence demonstrating its impact on protein function have been reported. ClinVar contains an entry for this variant (Variation ID: 519679). Based on the evidence outlined above, the variant was classified as uncertain significance.

GeneDx
Classification: Uncertain significance. Last evaluated: 2023-12-27. Review status: criteria provided, single submitter. Criteria: GeneDx Variant Classification Process June 2021. Collection method: clinical testing. Allele origin: germline. Affected: yes.
Comment: Has not been previously published as pathogenic or benign to our knowledge; Not observed at significant frequency in large population cohorts (gnomAD); In silico analysis supports that this missense variant has a deleterious effect on protein structure/function; Not located in the triple helical region, where the majority of pathogenic missense variants occur (PMID: 22696272; HGMD); This variant is associated with the following publications: (PMID: 22696272)

Revvity Omics, Revvity
Classification: Uncertain significance for Ehlers-Danlos syndrome, classic type, 2. Last evaluated: 2019-02-21. Review status: criteria provided, single submitter. Criteria: ACMG Guidelines, 2015. Collection method: clinical testing. Allele origin: germline.

Ambry Genetics
Classification: Uncertain significance for Familial thoracic aortic aneurysm and aortic dissection. Last evaluated: 2018-01-05. Review status: criteria provided, single submitter. Criteria: Ambry Variant Classification Scheme 2023. Collection method: clinical testing. Allele origin: germline.
Comment: The p.R1283H variant (also known as c.3848G>A), located in coding exon 51 of the COL5A2 gene, results from a G to A substitution at nucleotide position 3848. The arginine at codon 1283 is replaced by histidine, an amino acid with highly similar properties. This amino acid position is well conserved in available vertebrate species. In addition, the in silico prediction for this alteration is inconclusive. Since supporting evidence is limited at this time, the clinical significance of this alteration remains unclear.

NM_000393.5(COL5A2):c.3848G>A (p.Arg1283His)

Gene: COL5A2 (collagen type V alpha 2 chain; minus strand). Cytogenetic location: 2q32.2.
Variant type: single nucleotide variant.
Coding change: c.3848G>A on transcript NM_000393.5 (MANE Select); coding-DNA position 3848, G replaced by A.
Protein change: p.Arg1283His; replaces arginine 1283 with histidine.
Molecular consequence: missense variant.
Genome position (GRCh38, 1-based): chr2:189,039,349, C>T on the plus strand (G>A on the coding strand, the complement: COL5A2 is on the minus strand). VCF-style: chr2-189039349-C-T. GRCh37 (hg19) VCF-style: chr2-189904075-C-T.
Other names: short protein forms R1283H.
Identifiers: ClinVar variation 519679 (VCV000519679.20), dbSNP rs747653593, ClinGen allele CA2021908.